The following is an entry in ClinVar:

NM_001039141.3(TRIOBP):c.6899T>C (p.Val2300Ala)

Gene: TRIOBP (TRIO and F-actin binding protein; plus strand). Cytogenetic location: 22q13.1.
Variant type: single nucleotide variant.
Coding change: c.6899T>C on transcript NM_001039141.3 (MANE Select); coding-DNA position 6899, T replaced by C.
Protein change: p.Val2300Ala; replaces valine 2300 with alanine.
Molecular consequence: missense variant.
Genome position (GRCh38, 1-based): chr22:37,771,699, T>C. VCF-style: chr22-37771699-T-C. GRCh37 (hg19) VCF-style: chr22-38167706-T-C.
Other names: c.1760T>C, p.Val587Ala (NM_007032.5); short protein forms V2300A, V587A.
Identifiers: ClinVar variation 43867 (VCV000043867.18), dbSNP rs61737841, ClinGen allele CA133056.
Genomic context (GRCh38, chr22:37,771,699, plus strand): 5'-TATATCCCCAGGTGCTGCTTCGCGTAAAAGAAAACGAACTCCAGTACCTAAAGAAGGAGG[T>C]GCAGTGCCTCCGGGACGAGCTCCAGATGATGCAGAAGGTAGGTCCTTCCGCTGGGCTGGG-3'
Protein context (NP_001034230.1, residues 2290-2310): ENELQYLKKE[Val2300Ala]QCLRDELQMM

ClinVar aggregate classification (germline): Benign. Review status: criteria provided, multiple submitters, no conflicts (2 of 4 stars). 5 submissions from 5 submitters: Benign (5). Last evaluated 2026-01-19.

Allele frequency attached by ClinVar (database versions not stated): gnomAD 0.00748 and 0.00684; TOPMed 0.00762; gnomAD exomes 0.00067 and 0.00159; ExAC 0.00185; 1000 Genomes Project 0.00499; 1000 Genomes Project 30x 0.00515; ESP Exome Variant Server 0.00659.
gnomAD v4.1: 2,096 of 1,613,994 alleles (0.13%); highest among the groups gnomAD compares: African/African-American, 2.4%; 32 homozygotes.

Submissions (5):

Labcorp Genetics (formerly Invitae), Labcorp
Classification: Benign. Last evaluated: 2026-01-19. Review status: criteria provided, single submitter. Criteria: Invitae Variant Classification Sherloc (09022015). Collection method: clinical testing. Allele origin: germline.

GeneDx
Classification: Benign. Last evaluated: 2019-05-16. Review status: criteria provided, single submitter. Criteria: GeneDx Variant Classification Process June 2021. Collection method: clinical testing. Allele origin: germline. Affected: yes.

Laboratory for Molecular Medicine, Mass General Brigham Personalized Medicine
Classification: Benign. Last evaluated: 2012-04-30. Review status: criteria provided, single submitter. Criteria: LMM Criteria. Collection method: clinical testing. Allele origin: germline. Observed: 14 variant alleles.
Comment: Val2300Ala in Exon 22 of TRIOBP: This variant is not expected to have clinical s ignificance because it has been identified in 1.8% (60/3292) of African American chromosomes from a broad population by the NHLBI Exome Sequencing Project (dbSNP rs61737841).

Breakthrough Genomics
Classification: Benign. Review status: criteria provided, single submitter. Criteria: ACMG Guidelines, 2015. Collection method: not provided. Allele origin: germline. Inheritance: Autosomal recessive inheritance. Affected: yes.

PreventionGenetics, part of Exact Sciences
Classification: Benign. Review status: criteria provided, single submitter. Criteria: ACMG Guidelines, 2015. Collection method: clinical testing. Allele origin: germline.